The following is an entry in ClinVar:

NM_006922.4(SCN3A):c.864A>C (p.Glu288Asp)

Gene: SCN3A (sodium voltage-gated channel alpha subunit 3; minus strand). Cytogenetic location: 2q24.3.
Variant type: single nucleotide variant.
Coding change: c.864A>C on transcript NM_006922.4 (MANE Select); coding-DNA position 864, A replaced by C.
Protein change: p.Glu288Asp; replaces glutamic acid 288 with aspartic acid.
Molecular consequence: missense variant.
Genome position (GRCh38, 1-based): chr2:165,162,659, T>G on the plus strand (A>C on the coding strand, the complement: SCN3A is on the minus strand). VCF-style: chr2-165162659-T-G. GRCh37 (hg19) VCF-style: chr2-166019169-T-G.
Other names: c.864A>C, p.Glu288Asp (NM_001081676.2, NM_001081677.2); short protein forms E288D.
Identifiers: ClinVar variation 3681572 (VCV003681572.2).

ClinVar aggregate classification (germline): Uncertain significance (1 of 4 stars; one submission).

Submission:

Labcorp Genetics (formerly Invitae), Labcorp
Classification: Uncertain significance. Last evaluated: 2025-01-19. Review status: criteria provided, single submitter. Criteria: Invitae Variant Classification Sherloc (09022015). Collection method: clinical testing. Allele origin: germline.
Comment: This sequence change replaces glutamic acid, which is acidic and polar, with aspartic acid, which is acidic and polar, at codon 288 of the SCN3A protein (p.Glu288Asp). This variant is not present in population databases (gnomAD no frequency). This variant has not been reported in the literature in individuals affected with SCN3A-related conditions. Invitae Evidence Modeling of protein sequence and biophysical properties (such as structural, functional, and spatial information, amino acid conservation, physicochemical variation, residue mobility, and thermodynamic stability) indicates that this missense variant is not expected to disrupt SCN3A protein function with a negative predictive value of 95%. In summary, the available evidence is currently insufficient to determine the role of this variant in disease. Therefore, it has been classified as a Variant of Uncertain Significance.